The following is an entry in ClinVar:

NM_000090.4(COL3A1):c.245G>A (p.Gly82Glu)

Gene: COL3A1 (collagen type III alpha 1 chain; plus strand). Cytogenetic location: 2q32.2.
Variant type: single nucleotide variant.
Coding change: c.245G>A on transcript NM_000090.4 (MANE Select); coding-DNA position 245, G replaced by A.
Protein change: p.Gly82Glu; replaces glycine 82 with glutamic acid.
Molecular consequence: missense variant.
Genome position (GRCh38, 1-based): chr2:188,984,925, G>A. VCF-style: chr2-188984925-G-A. GRCh37 (hg19) VCF-style: chr2-189849651-G-A.
Other names: short protein forms G82E.
Identifiers: ClinVar variation 2440294 (VCV002440294.4), dbSNP rs745961376, ClinGen allele CA075358.

ClinVar aggregate classification (germline): Uncertain significance. Review status: criteria provided, multiple submitters, no conflicts (2 of 4 stars). 3 submissions from 3 submitters: Uncertain significance (3). Last evaluated 2025-09-23.

Conditions:
Ehlers-Danlos syndrome, type 4 (EDSVASC). Also called: Ehlers-Danlos syndrome vascular type; Ehlers Danlos syndrome, ecchymotic type; Ehlers Danlos syndrome, arterial type; Ehlers Danlos syndrome, Sack-Barabas type; Ehlers-Danlos Syndrome Type IV. Identifiers: Orphanet 286, MedGen C0268338, MONDO:0017314, OMIM 130050.
Familial thoracic aortic aneurysm and aortic dissection (TAAD). Also called: Thoracic aortic aneurysms and dissections. Identifiers: Orphanet 91387, MedGen C4707243, MONDO:0019625.

Allele frequency attached by ClinVar (database versions not stated): gnomAD 0.00001; gnomAD exomes 0.00003; ExAC 0.00005.

Submissions (3):

Color Diagnostics, LLC DBA Color Health
Classification: Uncertain significance for Familial thoracic aortic aneurysm and aortic dissection. Last evaluated: 2025-09-23. Review status: criteria provided, single submitter. Criteria: ACMG Guidelines, 2015. Collection method: clinical testing. Allele origin: germline.
Comment: This missense variant replaces glycine with glutamic acid at codon 82 of the COL3A1 protein. Computational prediction is inconclusive regarding the impact of this variant on protein structure and function. To our knowledge, functional studies have not been reported for this variant. This variant has not been reported in individuals affected with COL3A1-related disorders in the literature. This variant has been identified in 7/250502 chromosomes in the general population by the Genome Aggregation Database (gnomAD). The available evidence is insufficient to determine the role of this variant in disease conclusively. Therefore, this variant is classified as a Variant of Uncertain Significance.

Labcorp Genetics (formerly Invitae), Labcorp
Classification: Uncertain significance for Ehlers-Danlos syndrome, type 4. Last evaluated: 2025-07-08. Review status: criteria provided, single submitter. Criteria: Invitae Variant Classification Sherloc (09022015). Collection method: clinical testing. Allele origin: germline.
Comment: This sequence change replaces glycine, which is neutral and non-polar, with glutamic acid, which is acidic and polar, at codon 82 of the COL3A1 protein (p.Gly82Glu). This variant is present in population databases (rs745961376, gnomAD 0.005%). This variant has not been reported in the literature in individuals affected with COL3A1-related conditions. ClinVar contains an entry for this variant (Variation ID: 2440294). Invitae Evidence Modeling of protein sequence and biophysical properties (such as structural, functional, and spatial information, amino acid conservation, physicochemical variation, residue mobility, and thermodynamic stability) has been performed for this missense variant. However, the output from this modeling did not meet the statistical confidence thresholds required to predict the impact of this variant on COL3A1 protein function. In summary, the available evidence is currently insufficient to determine the role of this variant in disease. Therefore, it has been classified as a Variant of Uncertain Significance.

Revvity Omics, Revvity
Classification: Uncertain significance. Last evaluated: 2022-10-04. Review status: criteria provided, single submitter. Criteria: ACMG Guidelines, 2015. Collection method: clinical testing. Allele origin: germline.